The following is an entry in ClinVar:

ClinVar aggregate classification (germline): Uncertain significance (1 of 4 stars; one submission).

Conditions:
Primary familial hypertrophic cardiomyopathy (HCM). Identifiers: Orphanet 99739, MedGen C0949658, MeSH D024741, MONDO:0024573. Inheritance: Various modes of inheritance.

Allele frequency attached by ClinVar (database versions not stated): gnomAD 0.00001; gnomAD exomes 0.00001.
gnomAD v4.1: 11 of 1,614,108 alleles (0.00068%); highest among the groups gnomAD compares: Admixed American, 0.0017%; no homozygotes.

Submission:

Labcorp Genetics (formerly Invitae), Labcorp
Classification: Uncertain significance for Primary familial hypertrophic cardiomyopathy. Last evaluated: 2023-01-17. Review status: criteria provided, single submitter. Criteria: Invitae Variant Classification Sherloc (09022015). Collection method: clinical testing. Allele origin: germline.
Comment: In summary, the available evidence is currently insufficient to determine the role of this variant in disease. Therefore, it has been classified as a Variant of Uncertain Significance. Algorithms developed to predict the effect of missense changes on protein structure and function (SIFT, PolyPhen-2, Align-GVGD) all suggest that this variant is likely to be disruptive. This variant has not been reported in the literature in individuals affected with ILK-related conditions. This variant is present in population databases (no rsID available, gnomAD 0.003%). This sequence change replaces alanine, which is neutral and non-polar, with valine, which is neutral and non-polar, at codon 379 of the ILK protein (p.Ala379Val).

NM_004517.4(ILK):c.1136C>T (p.Ala379Val)

Genes: ILK (integrin linked kinase; plus strand), TAF10 (TATA-box binding protein associated factor 10; minus strand). Cytogenetic location: 11p15.4.
Variant type: single nucleotide variant.
Coding change: c.1136C>T on transcript NM_004517.4 (MANE Select); coding-DNA position 1136, C replaced by T.
Protein change: p.Ala379Val; replaces alanine 379 with valine.
Molecular consequence: missense variant. On other transcripts: 3 prime UTR variant (1).
Genome position (GRCh38, 1-based): chr11:6,610,205, C>T. VCF-style: chr11-6610205-C-T. GRCh37 (hg19) VCF-style: chr11-6631436-C-T.
Other names: c.1136C>T, p.Ala379Val (NM_001014794.3, NM_001014795.3); c.953C>T, p.Ala318Val (NM_001278441.2); c.734C>T, p.Ala245Val (NM_001278442.2); c.*717G>A (NM_006284.4); short protein forms A245V, A318V, A379V.
Identifiers: ClinVar variation 2919202 (VCV002919202.3), dbSNP rs1343648430, ClinGen allele CA379467104.
Genomic context (GRCh38, chr11:6,610,205, plus strand): 5'-CAGCTCTGCAGAAGAAGCCTGAAGACACAAACAGACGCTCAGCAGACATGTGGAGTTTTG[C>T]AGTGCTTCTGTGGGAACTGGTGACACGGGAGGTACCCTTTGCTGACCTCTCCAATATGGA-3'
Protein context (NP_004508.1, residues 369-389): NRRSADMWSF[Ala379Val]VLLWELVTRE